The following is an entry in ClinVar:

NM_001009999.3(KDM1A):c.1580A>G (p.Lys527Arg)

Gene: KDM1A (lysine demethylase 1A; plus strand). Cytogenetic location: 1p36.12.
Variant type: single nucleotide variant.
Coding change: c.1580A>G on transcript NM_001009999.3 (MANE Select); coding-DNA position 1580, A replaced by G.
Protein change: p.Lys527Arg; replaces lysine 527 with arginine.
Molecular consequence: missense variant.
Genome position (GRCh38, 1-based): chr1:23,072,155, A>G. VCF-style: chr1-23072155-A-G. GRCh37 (hg19) VCF-style: chr1-23398648-A-G.
Other names: c.1508A>G, p.Lys503Arg (NM_001363654.2, NM_001410763.1, NM_015013.4); c.1568A>G, p.Lys523Arg (NM_001410762.1); short protein forms K503R, K523R, K527R.
Identifiers: ClinVar variation 4622701 (VCV004622701.1).

ClinVar aggregate classification (germline): Uncertain significance (1 of 4 stars; one submission).

Conditions:
Inborn genetic diseases. Identifiers: MedGen C0950123, MeSH D030342.

Submission:

Ambry Genetics
Classification: Uncertain significance for Inborn genetic diseases. Last evaluated: 2025-11-09. Review status: criteria provided, single submitter. Criteria: Ambry Variant Classification Scheme 2023. Collection method: clinical testing. Allele origin: germline.
Comment: The p.K527R variant (also known as c.1580A>G), located in coding exon 14 of the KDM1A gene, results from an A to G substitution at nucleotide position 1580. The lysine at codon 527 is replaced by arginine, an amino acid with highly similar properties. This amino acid position is conserved. In addition, this alteration is predicted to be tolerated by in silico analysis. Based on the available evidence, the clinical significance of this variant remains unclear.